The following is an entry in ClinVar:

NM_000138.5(FBN1):c.4840C>T (p.Pro1614Ser)

Gene: FBN1 (fibrillin 1; minus strand). Cytogenetic location: 15q21.1.
Variant type: single nucleotide variant.
Coding change: c.4840C>T on transcript NM_000138.5 (MANE Select); coding-DNA position 4840, C replaced by T.
Protein change: p.Pro1614Ser; replaces proline 1614 with serine.
Molecular consequence: missense variant.
Genome position (GRCh38, 1-based): chr15:48,465,670, G>A on the plus strand (C>T on the coding strand, the complement: FBN1 is on the minus strand). VCF-style: chr15-48465670-G-A. GRCh37 (hg19) VCF-style: chr15-48757867-G-A.
Other names: c.4840C>T, p.Pro1614Ser (NM_001406716.1); short protein forms P1614S.
Identifiers: ClinVar variation 2575627 (VCV002575627.1), dbSNP rs2505497141, ClinGen allele CA392351317.
Genomic context (GRCh38, chr15:48,465,670, plus strand): 5'-GACAGCGGCACTGGAAACTCCCAAAGGTGTTGATACATTTTCCTCCTTGGCACAGCCCTG[G>A]TAGCTCCTGGCACTCATCAATATCTATCAAAATCAAAACAAAGGCATTCCTTTAGCATTG-3'
Protein context (NP_000129.3, residues 1604-1624): LEDIDECQEL[Pro1614Ser]GLCQGGKCIN

ClinVar aggregate classification (germline): Uncertain significance (1 of 4 stars; one submission).

Submission:

GeneDx
Classification: Uncertain significance. Last evaluated: 2023-02-13. Review status: criteria provided, single submitter. Criteria: GeneDx Variant Classification Process June 2021. Collection method: clinical testing. Allele origin: germline. Affected: yes.
Comment: Not observed at significant frequency in large population cohorts (gnomAD); In silico analysis supports that this missense variant has a deleterious effect on protein structure/function; Has not been previously published as pathogenic or benign to our knowledge